The following is an entry in ClinVar:

NM_006642.5(SDCCAG8):c.234dup (p.Asp79fs)

Gene: SDCCAG8 (SHH signaling and ciliogenesis regulator SDCCAG8; plus strand). Cytogenetic location: 1q43.
Variant type: Duplication.
Coding change: c.234dup on transcript NM_006642.5 (MANE Select); coding-DNA position 234, one base duplicated (A; older notation c.234dupA).
Protein change: p.Asp79fs; shifts the reading frame from aspartic acid 79.
Molecular consequence: frameshift variant. On other transcripts: 5 prime UTR variant (4).
Genome position (GRCh38, 1-based): chr1:243,270,991, A duplicated; the last of 3 consecutive A bases (chr1:243,270,989-243,270,991); duplicating any one gives the same sequence. VCF-style (leftmost placement, unchanged base first): chr1-243270988-C-CA. GRCh37 (hg19) VCF-style: chr1-243434290-C-CA.
Other names: c.-879dup (NM_001350246.2); c.-767dup (NM_001350247.2); c.234dup, p.Asp79fs (NM_001350248.2); c.-61dup (NM_001350249.2); c.-1140dup (NM_001350251.2); short protein forms D79fs.
Identifiers: ClinVar variation 1452529 (VCV001452529.6), dbSNP rs2149263988, ClinGen allele CA2573132965.

ClinVar aggregate classification (germline): Pathogenic (1 of 4 stars; one submission).

Conditions:
Senior-Loken syndrome 7 (SLSN7). Identifiers: Orphanet 3156, MedGen C3150877, MONDO:0013326, OMIM 613615.
Bardet-Biedl syndrome 16 (BBS16). Identifiers: Orphanet 110, MedGen C3889474, MONDO:0014444, OMIM 615993.

Submission:

Labcorp Genetics (formerly Invitae), Labcorp
Classification: Pathogenic for Bardet-Biedl syndrome 16; Senior-Loken syndrome 7. Last evaluated: 2021-07-26. Review status: criteria provided, single submitter. Criteria: Invitae Variant Classification Sherloc (09022015). Collection method: clinical testing. Allele origin: germline.
Comment: For these reasons, this variant has been classified as Pathogenic. This variant has not been reported in the literature in individuals affected with SDCCAG8-related conditions. This sequence change creates a premature translational stop signal (p.Asp79Argfs*9) in the SDCCAG8 gene. It is expected to result in an absent or disrupted protein product. Loss-of-function variants in SDCCAG8 are known to be pathogenic (PMID: 20835237, 22190896). This variant is not present in population databases (ExAC no frequency).

Literature cited by the submitters: PubMed 20835237; PubMed 22190896.